The following is an entry in ClinVar:

NM_002103.5(GYS1):c.1870G>A (p.Glu624Lys)

Gene: GYS1 (glycogen synthase 1; minus strand). Cytogenetic location: 19q13.33.
Variant type: single nucleotide variant.
Coding change: c.1870G>A on transcript NM_002103.5 (MANE Select); coding-DNA position 1870, G replaced by A.
Protein change: p.Glu624Lys; replaces glutamic acid 624 with lysine.
Molecular consequence: missense variant. On other transcripts: non-coding transcript variant (1).
Genome position (GRCh38, 1-based): chr19:48,969,795, C>T on the plus strand (G>A on the coding strand, the complement: GYS1 is on the minus strand). VCF-style: chr19-48969795-C-T. GRCh37 (hg19) VCF-style: chr19-49473052-C-T.
Other names: c.1678G>A, p.Glu560Lys (NM_001161587.2); short protein forms E560K, E624K.
Identifiers: ClinVar variation 1362144 (VCV001362144.6), dbSNP rs757274657, ClinGen allele CA9562761.

ClinVar aggregate classification (germline): Uncertain significance (1 of 4 stars; one submission).

Conditions:
Glycogen storage disease due to muscle and heart glycogen synthase deficiency. Also called: GSD 0b; MUSCLE GLYCOGEN SYNTHASE DEFICIENCY. Identifiers: Orphanet 137625, MedGen C1969054, MONDO:0012693, OMIM 611556.

Allele frequency attached by ClinVar (database versions not stated): gnomAD exomes below 0.00001 and 0.00001; gnomAD 0.00001; ExAC 0.00002.
gnomAD v4.1: 7 of 1,613,824 alleles (0.00043%); highest among the groups gnomAD compares: Admixed American, 0.0017%; no homozygotes.

Submission:

Labcorp Genetics (formerly Invitae), Labcorp
Classification: Uncertain significance for Glycogen storage disease due to muscle and heart glycogen synthase deficiency. Last evaluated: 2021-12-09. Review status: criteria provided, single submitter. Criteria: Invitae Variant Classification Sherloc (09022015). Collection method: clinical testing. Allele origin: germline.
Comment: This variant is present in population databases (rs757274657, gnomAD 0.002%). In summary, the available evidence is currently insufficient to determine the role of this variant in disease. Therefore, it has been classified as a Variant of Uncertain Significance. Algorithms developed to predict the effect of missense changes on protein structure and function are either unavailable or do not agree on the potential impact of this missense change (SIFT: "Tolerated"; PolyPhen-2: "Possibly Damaging"; Align-GVGD: "Class C0"). This variant has not been reported in the literature in individuals affected with GYS1-related conditions. This sequence change replaces glutamic acid, which is acidic and polar, with lysine, which is basic and polar, at codon 624 of the GYS1 protein (p.Glu624Lys).